The following is an entry in ClinVar:

ClinVar aggregate classification (germline): Likely benign (0 of 4 stars; one submission).

Conditions:
DNMT3A-related disorder. Also called: DNMT3A-related disorders; DNMT3A-related condition.

gnomAD v4.1: 5 of 1,476,820 alleles (0.00034%); highest among the groups gnomAD compares: Admixed American, 0.0085%; no homozygotes.

Submission:

PreventionGenetics, part of Exact Sciences
Classification: Likely benign for DNMT3A-related condition. Last evaluated: 2021-10-18. Review status: no assertion criteria provided. Collection method: clinical testing. Allele origin: germline.
Comment: This variant is classified as likely benign based on ACMG/AMP sequence variant interpretation guidelines (Richards et al. 2015 PMID: 25741868, with internal and published modifications).

NM_022552.5(DNMT3A):c.640-3848T>G

Genes: DNMT3A (DNA methyltransferase 3 alpha; minus strand), LOC129933288 (ATAC-STARR-seq lymphoblastoid silent region 11249; plus strand). Cytogenetic location: 2p23.3.
Variant type: single nucleotide variant.
Coding change: c.640-3848T>G on transcript NM_022552.5 (MANE Select); 3848 bases into the intron before coding-DNA position 640, T replaced by G.
Molecular consequence: intron variant. On other transcripts: 5 prime UTR variant (1).
Genome position (GRCh38, 1-based): chr2:25,252,100, A>C on the plus strand (T>G on the coding strand, the complement: DNMT3A is on the minus strand). VCF-style: chr2-25252100-A-C. GRCh37 (hg19) VCF-style: chr2-25474969-A-C.
Other names: c.-6T>G (NM_001320893.1); c.640-3848T>G (NM_175629.2); c.4+94T>G (NM_153759.3); c.-31+94T>G (NM_001375819.1).
Identifiers: ClinVar variation 3358814 (VCV003358814.1).